The following is an entry in ClinVar:

NM_000452.3(SLC10A2):c.585+4_585+7del

Gene: SLC10A2 (solute carrier family 10 member 2; minus strand). Cytogenetic location: 13q33.1.
Variant type: Microsatellite.
Coding change: c.585+4_585+7del on transcript NM_000452.3 (MANE Select); bases 4 to 7 of the intron after coding-DNA position 585, 4 bases deleted (AGTA; older notation c.585+4_585+7delAGTA).
Molecular consequence: splice donor variant.
Genome position (GRCh38, 1-based): chr13:103,052,613-103,052,616, TACT deleted on the plus strand (AGTA on the coding strand, the reverse complement: SLC10A2 is on the minus strand); deleting any 4 consecutive bases within chr13:103,052,613-103,052,621 gives the same sequence; the c. name uses the placement nearest the transcript's 3' end. VCF-style (leftmost placement, unchanged base first): chr13-103052612-ATACT-A. GRCh37 (hg19) VCF-style: chr13-103704962-ATACT-A.
Identifiers: ClinVar variation 1952495 (VCV001952495.5), dbSNP rs766700439, ClinGen allele CA7042147.
Genomic context (GRCh38, chr13:103,052,612, plus strand): 5'-TGGATGGAAAACCCTATGGTTTTGATTGTCACAGTGGAATATTTAATGGTGTGAACTGGG[ATACT>A]TACTTTAAGTATGATCTTTGCTTTTTGGGGCCATTTGTGATTAACAAACATTCCAATGGA-3'

ClinVar aggregate classification (germline): Uncertain significance (1 of 4 stars; one submission).

Submission:

Labcorp Genetics (formerly Invitae), Labcorp
Classification: Uncertain significance. Last evaluated: 2023-06-24. Review status: criteria provided, single submitter. Criteria: Invitae Variant Classification Sherloc (09022015). Collection method: clinical testing. Allele origin: germline.
Comment: This sequence change falls in intron 3 of the SLC10A2 gene. It does not directly change the encoded amino acid sequence of the SLC10A2 protein. It affects a nucleotide within the consensus splice site. This variant is present in population databases (rs766700439, gnomAD 0.006%). This variant has not been reported in the literature in individuals affected with SLC10A2-related conditions. Variants that disrupt the consensus splice site are a relatively common cause of aberrant splicing (PMID: 17576681, 9536098). Algorithms developed to predict the effect of sequence changes on RNA splicing suggest that this variant may disrupt the consensus splice site. In summary, the available evidence is currently insufficient to determine the role of this variant in disease. Therefore, it has been classified as a Variant of Uncertain Significance.

Literature cited by the submitters: PubMed 17576681; PubMed 9536098.